The following is an entry in ClinVar:

ClinVar aggregate classification (germline): Uncertain significance (1 of 4 stars; one submission).

gnomAD v4.1: 3 of 1,614,172 alleles (0.00019%); highest among the groups gnomAD compares: Non-Finnish European, 0.00025%; no homozygotes.

Submission:

CeGaT Center for Human Genetics Tuebingen
Classification: Uncertain significance. Last evaluated: 2025-05-01. Review status: criteria provided, single submitter. Criteria: CeGaT Center For Human Genetics Tuebingen Variant Classification Criteria Version 2. Collection method: clinical testing. Allele origin: germline. Affected: yes. Observed: 1 variant allele.
Comment: GARS1: PM2, BP4

NM_002047.4(GARS1):c.254A>G (p.Lys85Arg)

Gene: GARS1 (glycyl-tRNA synthetase 1; plus strand). Cytogenetic location: 7p14.3.
Variant type: single nucleotide variant.
Coding change: c.254A>G on transcript NM_002047.4 (MANE Select); coding-DNA position 254, A replaced by G.
Protein change: p.Lys85Arg; replaces lysine 85 with arginine.
Molecular consequence: missense variant.
Genome position (GRCh38, 1-based): chr7:30,598,827, A>G. VCF-style: chr7-30598827-A-G. GRCh37 (hg19) VCF-style: chr7-30638443-A-G.
Other names: c.92A>G, p.Lys31Arg (NM_001316772.1); short protein forms K31R, K85R.
Identifiers: ClinVar variation 3905049 (VCV003905049.10).